The following is an entry in ClinVar:

ClinVar aggregate classification (germline): Conflicting classifications of pathogenicity. Review status: criteria provided, conflicting classifications (1 of 4 stars). 8 submissions from 8 submitters: Uncertain significance (2); Likely benign (4). 2 of the submissions do not count toward it. Last evaluated 2026-07-27.

Conditions:
Hereditary cancer-predisposing syndrome. Also called: Hereditary neoplastic syndrome; Neoplastic Syndromes, Hereditary; Hereditary Cancer Syndrome; Tumor predisposition. Identifiers: Orphanet 140162, MedGen C0027672, MeSH D009386, MONDO:0015356.
Hereditary breast ovarian cancer syndrome. Also called: Breast and ovarian cancer; Hereditary breast and/or ovarian cancer syndrome; BRCA1- and BRCA2-Associated Hereditary Breast and Ovarian Cancer; Hereditary breast and ovarian cancer syndrome; Hereditary breast and ovarian cancer; Hereditary breast and ovarian cancer syndrome (HBOC). Identifiers: Orphanet 145, MedGen C0677776, MeSH D061325, MONDO:0003582. Disease mechanism: loss of function.
Breast-ovarian cancer, familial, susceptibility to, 1 (BROVCA1). Also called: BRCA1 Hereditary Breast and Ovarian Cancer; OVARIAN CANCER, SUSCEPTIBILITY TO. Identifiers: Orphanet 145, MedGen C2676676, MONDO:0011450, OMIM 604370. Disease mechanism: loss of function.

Submissions (8):

Myriad Genetics, Inc.
Classification: Likely benign for Breast-ovarian cancer, familial, susceptibility to, 1. Last evaluated: 2026-07-27. Review status: criteria provided, single submitter. Criteria: Myriad Autosomal Dominant, Autosomal Recessive and X-Linked Classification Criteria (2023). Collection method: clinical testing. Allele origin: unknown.
Comment: This variant is considered likely benign. This variant is intronic and is not expected to impact mRNA splicing. This variant is strongly associated with less severe personal and family histories of cancer, typical for individuals without pathogenic variants in this gene [PMID: 25085752].

Quest Diagnostics Nichols Institute San Juan Capistrano
Classification: Uncertain significance. Last evaluated: 2025-06-25. Review status: criteria provided, single submitter. Criteria: Quest Diagnostics criteria. Collection method: clinical testing. Allele origin: unknown.
Comment: The BRCA1 c.135-8dup variant has not been reported in individuals with BRCA1-related conditions in the published literature. It also has not been reported in large, multi-ethnic general populations (Genome Aggregation Database). Analysis of this variant using software algorithms for the prediction of the effect of nucleotide changes on splicing yielded predictions that this variant does not affect BRCA1 mRNA splicing. Based on the available information, we are unable to determine the clinical significance of this variant.

Labcorp Genetics (formerly Invitae), Labcorp
Classification: Likely benign for Hereditary breast ovarian cancer syndrome. Last evaluated: 2024-05-26. Review status: criteria provided, single submitter. Criteria: Invitae Variant Classification Sherloc (09022015). Collection method: clinical testing. Allele origin: germline.

All of Us Research Program, National Institutes of Health
Classification: Likely benign for Breast-ovarian cancer, familial, susceptibility to, 1. Last evaluated: 2023-09-17. Review status: criteria provided, single submitter. Criteria: ACMG Guidelines, 2015. Collection method: clinical testing. Allele origin: germline. Inheritance: Autosomal dominant inheritance. Observed: 1 variant allele, 1 heterozygote.
Comment: This study involves interpretation of variants in research participants for the purpose of population health screening. Participant phenotype was not available at the time of variant classification. Additional details can be found in publication PMID: 35346344, PMCID: PMC8962531

Color Diagnostics, LLC DBA Color Health
Classification: Likely benign for Hereditary cancer-predisposing syndrome. Last evaluated: 2023-09-04. Review status: criteria provided, single submitter. Criteria: ACMG Guidelines, 2015. Collection method: clinical testing. Allele origin: germline.

Sema4
Classification: Uncertain significance for Hereditary cancer-predisposing syndrome. Last evaluated: 2021-05-19. Review status: criteria provided, single submitter. Criteria: Sema4 Curation Guidelines. Collection method: curation. Allele origin: germline.
Comment: The BRCA1 c.135-8dupA variant has not been reported in the literature to our knowledge. It was not observed in the large and broad cohorts of the Genome Aggregation Database (PMID: 32461654) but has been reported in ClinVar (Variation ID 37405). In silico tools suggest the variant may influence splicing, though these predictions have not been confirmed by functional studies. The evidence is insufficient to meet ACMG/AMP criteria for classifying the variant as benign or pathogenic. Thus, the clinical significance of this variant is currently uncertain.

BRCAlab, Lund University
Classification: Uncertain significance for Breast-ovarian cancer, familial, susceptibility to, 1. Last evaluated: 2020-03-02. Review status: no assertion criteria provided. Collection method: clinical testing. Allele origin: germline. Affected: yes. Not counted in ClinVar's aggregate classification.

Sharing Clinical Reports Project (SCRP)
Classification: Uncertain significance for Breast-ovarian cancer, familial 1. Last evaluated: 2011-06-01. Review status: no assertion criteria provided. Collection method: clinical testing. Allele origin: germline. Not counted in ClinVar's aggregate classification.

Literature cited by the submitters: PubMed 25085752 (cited by Myriad Genetics, Inc.).

NM_007294.4(BRCA1):c.135-8dup

Gene: BRCA1 (BRCA1 DNA repair associated; minus strand). Cytogenetic location: 17q21.31.
Variant type: Duplication.
Coding change: c.135-8dup on transcript NM_007294.4 (MANE Select); 8 bases into the intron before coding-DNA position 135, one base duplicated (A; older notation c.135-8dupA).
Molecular consequence: intron variant.
Genome position (GRCh38, 1-based): chr17:43,106,541, T duplicated on the plus strand (A on the coding strand, the reverse complement: BRCA1 is on the minus strand); the first of 2 consecutive T bases (chr17:43,106,541-43,106,542); duplicating either gives the same sequence. VCF-style (leftmost placement, unchanged base first): chr17-43106540-A-AT. GRCh37 (hg19) VCF-style: chr17-41258557-A-AT.
Other names: IVS4-8insA; c.-7-8dup (NM_001408458.1, NM_001407931.1, NM_001407747.1 and 99 more transcripts); c.-218-11681dup (NM_001407967.1, NM_001407966.1); c.-169-1585dup (NM_001407959.1, NM_001407962.1, NM_001408512.1 and 4 more transcripts); c.135-8dupA (NM_007294.3); c.-54-8dup (NM_001407885.1, NM_001407886.1, NM_001407898.1 and 58 more transcripts); c.135-8dup (NM_001407686.1, NM_001408397.1, NM_001407632.1 and 167 more transcripts); c.81-1585dup (NM_001408451.1); and 1 more.
Identifiers: ClinVar variation 37405 (VCV000037405.21), dbSNP rs397507186, ClinGen allele CA000904.
Genomic context (GRCh38, chr17:43,106,540, plus strand): 5'-AAAGGACACTGTGAAGGCCCTTTCTTCTGGTTGAGAAGTTTCAGCATGCAAAATCTATAA[A>AT]TTATAAAGAAAGAAAGAACAATTTAATTTACTTCCTTTTGTAGAAAGAATACTCAAAAGG-3'